The following is an entry in ClinVar:

ClinVar aggregate classification (germline): Uncertain significance. Review status: criteria provided, multiple submitters, no conflicts (2 of 4 stars). 3 submissions from 3 submitters: Uncertain significance (3). Last evaluated 2024-11-13.

Conditions:
Congenital myotonia, autosomal recessive form. Also called: BECKER DISEASE; Becker Generalized Myotonia; myotonia congenita, autosomal recessive. Identifiers: Orphanet 614, MedGen C0751360, MONDO:0009715, OMIM 255700.
Congenital myotonia, autosomal dominant form (THD). Also called: THOMSEN DISEASE; Myotonia congenita autosomal dominant. Identifiers: Orphanet 614, MedGen C2936781, MONDO:0008055, OMIM 160800.

Allele frequency attached by ClinVar (database versions not stated): TOPMed below 0.00001; ExAC 0.00001; gnomAD exomes 0.00001.
gnomAD v4.1: 3 of 1,613,760 alleles (0.00019%); highest among the groups gnomAD compares: Non-Finnish European, 0.00025%; no homozygotes.

Submissions (3):

Labcorp Genetics (formerly Invitae), Labcorp
Classification: Uncertain significance for Congenital myotonia, autosomal recessive form; Congenital myotonia, autosomal dominant form. Last evaluated: 2024-11-13. Review status: criteria provided, single submitter. Criteria: Invitae Variant Classification Sherloc (09022015). Collection method: clinical testing. Allele origin: germline.
Comment: This sequence change replaces methionine, which is neutral and non-polar, with threonine, which is neutral and polar, at codon 339 of the CLCN1 protein (p.Met339Thr). This variant is present in population databases (rs769517790, gnomAD 0.0009%). This variant has not been reported in the literature in individuals affected with CLCN1-related conditions. ClinVar contains an entry for this variant (Variation ID: 1978026). Invitae Evidence Modeling of protein sequence and biophysical properties (such as structural, functional, and spatial information, amino acid conservation, physicochemical variation, residue mobility, and thermodynamic stability) has been performed for this missense variant. However, the output from this modeling did not meet the statistical confidence thresholds required to predict the impact of this variant on CLCN1 protein function. In summary, the available evidence is currently insufficient to determine the role of this variant in disease. Therefore, it has been classified as a Variant of Uncertain Significance.

Revvity Omics, Revvity
Classification: Uncertain significance. Last evaluated: 2023-02-27. Review status: criteria provided, single submitter. Criteria: ACMG Guidelines, 2015. Collection method: clinical testing. Allele origin: germline.

GeneDx
Classification: Uncertain significance. Last evaluated: 2022-09-16. Review status: criteria provided, single submitter. Criteria: GeneDx Variant Classification Process June 2021. Collection method: clinical testing. Allele origin: germline. Affected: yes.
Comment: Not observed at significant frequency in large population cohorts (gnomAD); In silico analysis supports that this missense variant has a deleterious effect on protein structure/function; Has not been previously published as pathogenic or benign to our knowledge

NM_000083.3(CLCN1):c.1016T>C (p.Met339Thr)

Gene: CLCN1 (chloride voltage-gated channel 1; plus strand). Cytogenetic location: 7q34.
Variant type: single nucleotide variant.
Coding change: c.1016T>C on transcript NM_000083.3 (MANE Select); coding-DNA position 1016, T replaced by C.
Protein change: p.Met339Thr; replaces methionine 339 with threonine.
Molecular consequence: missense variant. On other transcripts: non-coding transcript variant (1).
Genome position (GRCh38, 1-based): chr7:143,331,268, T>C. VCF-style: chr7-143331268-T-C. GRCh37 (hg19) VCF-style: chr7-143028361-T-C.
Other names: c.1016T>C (NM_000083.2); short protein forms M339T.
Identifiers: ClinVar variation 1978026 (VCV001978026.8), dbSNP rs769517790, ClinGen allele CA4537208.